The following is an entry in ClinVar:

NM_170675.5(MEIS2):c.104dup (p.Val36fs)

Gene: MEIS2 (Meis homeobox 2; minus strand). Cytogenetic location: 15q14.
Variant type: Duplication.
Coding change: c.104dup on transcript NM_170675.5 (MANE Select); coding-DNA position 104, one base duplicated (C; older notation c.104dupC).
Protein change: p.Val36fs; shifts the reading frame from valine 36.
Molecular consequence: frameshift variant. On other transcripts: 5 prime UTR variant (1), non-coding transcript variant (1).
Genome position (GRCh38, 1-based): chr15:37,098,108, G duplicated on the plus strand (C on the coding strand, the reverse complement: MEIS2 is on the minus strand); the first of 6 consecutive G bases (chr15:37,098,108-37,098,113); duplicating any one gives the same sequence. VCF-style (leftmost placement, unchanged base first): chr15-37098107-C-CG. GRCh37 (hg19) VCF-style: chr15-37390308-C-CG.
Other names: c.104dup, p.Val36fs (NM_001220482.2, NM_170674.5, NM_170676.5 and 1 more transcripts); c.65dup, p.Val23fs (NM_002399.4, NM_172315.3); c.-138dup (NM_172316.3); short protein forms V23fs, V36fs.
Identifiers: ClinVar variation 1708881 (VCV001708881.2), dbSNP rs2505271040, ClinGen allele CA617561213.

ClinVar aggregate classification (germline): Pathogenic (1 of 4 stars; one submission).

Submission:

GeneDx
Classification: Pathogenic. Last evaluated: 2022-10-04. Review status: criteria provided, single submitter. Criteria: GeneDx Variant Classification Process June 2021. Collection method: clinical testing. Allele origin: germline. Affected: yes.
Comment: Frameshift variant predicted to result in protein truncation or nonsense mediated decay in a gene for which loss-of-function is a known mechanism of disease; Not observed at significant frequency in large population cohorts (gnomAD); Has not been previously published as pathogenic or benign to our knowledge